The following is an entry in ClinVar:

ClinVar aggregate classification (germline): Uncertain significance. Review status: criteria provided, multiple submitters, no conflicts (2 of 4 stars). 4 submissions from 4 submitters: Uncertain significance (4). Last evaluated 2025-07-16.

Conditions:
Inborn genetic diseases. Identifiers: MedGen C0950123, MeSH D030342.
Cranioectodermal dysplasia 2 (CED2). Identifiers: Orphanet 1515, MedGen C3150874, MONDO:0013323, OMIM 613610.
Short-rib thoracic dysplasia 7 with or without polydactyly (SRTD7). Also called: Short rib polydactyly syndrome 5; SHORT-RIB THORACIC DYSPLASIA 7 WITH POLYDACTYLY. Identifiers: Orphanet 498497, Orphanet 93271, MedGen C3279792, MONDO:0013569, OMIM 614091.

Allele frequency attached by ClinVar (database versions not stated): gnomAD 0.00001; TOPMed 0.00001; gnomAD exomes 0.00003.
gnomAD v4.1: 19 of 1,613,312 alleles (0.0012%); highest among the groups gnomAD compares: Admixed American, 0.0017%; no homozygotes.

Submissions (4):

Ambry Genetics
Classification: Uncertain significance for Inborn genetic diseases. Last evaluated: 2025-07-16. Review status: criteria provided, single submitter. Criteria: Ambry Variant Classification Scheme 2023. Collection method: clinical testing. Allele origin: germline.

Fulgent Genetics
Classification: Uncertain significance for Cranioectodermal dysplasia 2; Short-rib thoracic dysplasia 7 with or without polydactyly. Last evaluated: 2024-05-08. Review status: criteria provided, single submitter. Criteria: ACMG Guidelines, 2015. Collection method: clinical testing. Allele origin: germline.

Labcorp Genetics (formerly Invitae), Labcorp
Classification: Uncertain significance for Cranioectodermal dysplasia 2; Short-rib thoracic dysplasia 7 with or without polydactyly. Last evaluated: 2022-05-04. Review status: criteria provided, single submitter. Criteria: Invitae Variant Classification Sherloc (09022015). Collection method: clinical testing. Allele origin: germline.
Comment: This sequence change replaces proline, which is neutral and non-polar, with alanine, which is neutral and non-polar, at codon 655 of the WDR35 protein (p.Pro655Ala). This variant is present in population databases (rs758919526, gnomAD 0.005%). This variant has not been reported in the literature in individuals affected with WDR35-related conditions. ClinVar contains an entry for this variant (Variation ID: 392433). Algorithms developed to predict the effect of missense changes on protein structure and function output the following: SIFT: "Tolerated"; PolyPhen-2: "Probably Damaging"; Align-GVGD: "Class C0". The alanine amino acid residue is found in multiple mammalian species, which suggests that this missense change does not adversely affect protein function. In summary, the available evidence is currently insufficient to determine the role of this variant in disease. Therefore, it has been classified as a Variant of Uncertain Significance.

GeneDx
Classification: Uncertain significance. Last evaluated: 2017-01-23. Review status: criteria provided, single submitter. Criteria: GeneDx Variant Classification (06012015). Collection method: clinical testing. Allele origin: germline. Affected: yes.
Comment: The P655A variant in the WDR35 gene has not been reported previously as a pathogenic variant, nor as a benign variant, to our knowledge. The P655A variant was not observed in approximately 6,500 individuals of European and African American ancestry in the NHLBI Exome Sequencing Project, indicating it is not a common benign variant in these populations. The P655A variant is a semi-conservative amino acid substitution, which may impact secondary protein structure as these residues differ in some properties. This substitution occurs at a position that is not conserved. In silico analysis predicts this variant is probably damaging to the protein structure/function. We interpret P655A as a variant of uncertain significance.

NM_020779.4(WDR35):c.1930C>G (p.Pro644Ala)

Gene: WDR35 (WD repeat domain 35; minus strand). Cytogenetic location: 2p24.1.
Variant type: single nucleotide variant.
Coding change: c.1930C>G on transcript NM_020779.4 (MANE Select); coding-DNA position 1930, C replaced by G.
Protein change: p.Pro644Ala; replaces proline 644 with alanine.
Molecular consequence: missense variant.
Genome position (GRCh38, 1-based): chr2:19,938,398, G>C on the plus strand (C>G on the coding strand, the complement: WDR35 is on the minus strand). VCF-style: chr2-19938398-G-C. GRCh37 (hg19) VCF-style: chr2-20138159-G-C.
Other names: c.1963C>G, p.Pro655Ala (NM_001006657.2); short protein forms P655A, P644A.
Identifiers: ClinVar variation 392433 (VCV000392433.9), dbSNP rs758919526, ClinGen allele CA1543078.